The following is an entry in ClinVar:

NM_024675.4(PALB2):c.3114-16A>T

Gene: PALB2 (partner and localizer of BRCA2; minus strand). Cytogenetic location: 16p12.2.
Variant type: single nucleotide variant.
Coding change: c.3114-16A>T on transcript NM_024675.4 (MANE Select); 16 bases into the intron before coding-DNA position 3114, A replaced by T.
Molecular consequence: intron variant.
Genome position (GRCh38, 1-based): chr16:23,614,107, T>A on the plus strand (A>T on the coding strand, the complement: PALB2 is on the minus strand). VCF-style: chr16-23614107-T-A. GRCh37 (hg19) VCF-style: chr16-23625428-T-A.
Identifiers: ClinVar variation 627672 (VCV000627672.13), dbSNP rs778244808, ClinGen allele CA7963420.

ClinVar aggregate classification (germline): Likely benign. Review status: criteria provided, multiple submitters, no conflicts (2 of 4 stars). 4 submissions from 4 submitters: Likely benign (4). Last evaluated 2026-01-05.

Conditions:
Hereditary cancer-predisposing syndrome. Also called: Tumor predisposition; Neoplastic Syndromes, Hereditary; Hereditary Cancer Syndrome; Hereditary neoplastic syndrome. Identifiers: Orphanet 140162, MedGen C0027672, MeSH D009386, MONDO:0015356.
Familial cancer of breast. Also called: BREAST CANCER, FAMILIAL; Hereditary breast cancer; hereditary breast carcinoma. Identifiers: Orphanet 227535, MedGen C0346153, MONDO:0016419, OMIM 114480. Disease mechanism: loss of function.

gnomAD v4.1: 4 of 1,532,186 alleles (0.00026%); highest among the groups gnomAD compares: Non-Finnish European, 0.00036%; no homozygotes.

Submissions (4):

Labcorp Genetics (formerly Invitae), Labcorp
Classification: Likely benign for Familial cancer of breast. Last evaluated: 2026-01-05. Review status: criteria provided, single submitter. Criteria: Invitae Variant Classification Sherloc (09022015). Collection method: clinical testing. Allele origin: germline.

Myriad Genetics, Inc.
Classification: Likely benign for Familial cancer of breast. Last evaluated: 2025-01-21. Review status: criteria provided, single submitter. Criteria: Myriad Autosomal Dominant, Autosomal Recessive and X-Linked Classification Criteria (2023). Collection method: clinical testing. Allele origin: unknown.
Comment: This variant is considered likely benign. This variant is intronic and is not expected to impact mRNA splicing.

Blueprint Genetics
Classification: Likely benign. Last evaluated: 2024-03-10. Review status: criteria provided, single submitter. Criteria: ACMG Guidelines, 2015. Collection method: clinical testing. Allele origin: germline.

Color Diagnostics, LLC DBA Color Health
Classification: Likely benign for Hereditary cancer-predisposing syndrome. Last evaluated: 2017-11-13. Review status: criteria provided, single submitter. Criteria: ACMG Guidelines, 2015. Collection method: clinical testing. Allele origin: germline.